The following is an entry in ClinVar:

ClinVar aggregate classification (germline): Likely pathogenic (1 of 4 stars; one submission).

Conditions:
Autosomal recessive limb-girdle muscular dystrophy type 2J (LGMDR10). Also called: Limb-girdle muscular dystrophy, type 2J; MUSCULAR DYSTROPHY, LIMB-GIRDLE, AUTOSOMAL RECESSIVE 10. Identifiers: Orphanet 140922, MedGen C1837342, MONDO:0012127, OMIM 608807.
Dilated cardiomyopathy 1G (CMD1G). Identifiers: Orphanet 154, MedGen C1858763, MONDO:0011400, OMIM 604145.

Submission:

Labcorp Genetics (formerly Invitae), Labcorp
Classification: Likely pathogenic for Dilated cardiomyopathy 1G; Autosomal recessive limb-girdle muscular dystrophy type 2J. Last evaluated: 2023-10-10. Review status: criteria provided, single submitter. Criteria: Invitae Variant Classification Sherloc (09022015). Collection method: clinical testing. Allele origin: germline.
Comment: This sequence change creates a premature translational stop signal (p.His35669Profs*10) in the TTN gene. While this is not anticipated to result in nonsense mediated decay, it is expected to create a truncated TTN protein. This variant is not present in population databases (gnomAD no frequency). This variant has not been reported in the literature in individuals affected with TTN-related conditions. This variant is located in the M band of TTN (PMID: 25589632). Truncating variants in this region have been previously reported in individuals affected with autosomal recessive myopathy and muscular dystrophy (PMID: 18948003, 23975875, 24395473), but have not been definitively shown to cause cardiomyopathy (PMID: 25589632). In summary, the currently available evidence indicates that the variant is pathogenic, but additional data are needed to prove that conclusively. Therefore, this variant has been classified as Likely Pathogenic.

Literature cited by the submitters: PubMed 25589632; PubMed 18948003; PubMed 23975875; PubMed 24395473.

NM_001267550.2(TTN):c.107006del (p.His35669fs)

Genes: TTN-AS1 (TTN antisense RNA 1; plus strand), TTN (titin; minus strand). Cytogenetic location: 2q31.2.
Variant type: Deletion.
Coding change: c.107006del on transcript NM_001267550.2 (MANE Select); coding-DNA position 107006, one base deleted (A; older notation c.107006delA).
Protein change: p.His35669fs; shifts the reading frame from histidine 35669.
Molecular consequence: frameshift variant.
Genome position (GRCh38, 1-based): chr2:178,528,745, T deleted on the plus strand (A on the coding strand, the reverse complement: TTN is on the minus strand). VCF-style (leftmost placement, unchanged base first): chr2-178528744-GT-G. GRCh37 (hg19) VCF-style: chr2-179393471-GT-G.
Other names: c.102083del, p.His34028fs (NM_001256850.1); c.79811del, p.His26604fs (NM_003319.4); c.99302del, p.His33101fs (NM_133378.4); c.80186del, p.His26729fs (NM_133432.3); c.80387del, p.His26796fs (NM_133437.4); short protein forms H34028fs, H33101fs, H26729fs, H26604fs, H35669fs, H26796fs.
Identifiers: ClinVar variation 2952750 (VCV002952750.3), dbSNP rs2468298840, ClinGen allele CA2740095948.